The following is an entry in ClinVar:

NM_172107.4(KCNQ2):c.571G>A (p.Val191Ile)

Gene: KCNQ2 (potassium voltage-gated channel subfamily Q member 2; minus strand). Cytogenetic location: 20q13.33.
Variant type: single nucleotide variant.
Coding change: c.571G>A on transcript NM_172107.4 (MANE Select); coding-DNA position 571, G replaced by A.
Protein change: p.Val191Ile; replaces valine 191 with isoleucine.
Molecular consequence: missense variant.
Genome position (GRCh38, 1-based): chr20:63,444,778, C>T on the plus strand (G>A on the coding strand, the complement: KCNQ2 is on the minus strand). VCF-style: chr20-63444778-C-T. GRCh37 (hg19) VCF-style: chr20-62076131-C-T.
Other names: c.571G>A, p.Val191Ile (NM_004518.6, NM_172106.3, NM_172108.5 and 1 more transcripts); short protein forms V191I.
Identifiers: ClinVar variation 530415 (VCV000530415.9), dbSNP rs745564113, ClinGen allele CA9958775.
Genomic context (GRCh38, chr20:63,444,778, plus strand): 5'-TGCGGATCATCCGCAGAATCTGCAGGAAGCGCAGGCTCCGGAGCGCAGATGTGGCAAAGA[C>T]GTTGCCCTGGGAGCCGGCGGCCAGCACCGCAATGGAGGCGATGAGCACCATGATGTCTAC-3'
Protein context (NP_742105.1, residues 181-201): AVLAAGSQGN[Val191Ile]FATSALRSLR

ClinVar aggregate classification (germline): Uncertain significance (1 of 4 stars; one submission).

Conditions:
Early-infantile DEE. Also called: Early infantile epileptic encephalopathy; Early infantile epileptic encephalopathy with suppression bursts; Ohtahara syndrome. Identifiers: Orphanet 1934, MedGen C0393706, MONDO:0800491.

Allele frequency attached by ClinVar (database versions not stated): gnomAD exomes below 0.00001; ExAC 0.00001.

Submission:

Labcorp Genetics (formerly Invitae), Labcorp
Classification: Uncertain significance for Early-infantile DEE. Last evaluated: 2020-11-27. Review status: criteria provided, single submitter. Criteria: Invitae Variant Classification Sherloc (09022015). Collection method: clinical testing. Allele origin: germline.
Comment: In summary, the available evidence is currently insufficient to determine the role of this variant in disease. Therefore, it has been classified as a Variant of Uncertain Significance. Algorithms developed to predict the effect of missense changes on protein structure and function do not agree on the potential impact of this missense change (SIFT: "Deleterious"; PolyPhen-2: "Benign"; Align-GVGD: "Class C25"). This variant has not been reported in the literature in individuals with KCNQ2-related disease. This variant is present in population databases (rs745564113, ExAC 0.002%). This sequence change replaces valine with isoleucine at codon 191 of the KCNQ2 protein (p.Val191Ile). The valine residue is highly conserved and there is a small physicochemical difference between valine and isoleucine.